The following is an entry in ClinVar:

NM_007194.4(CHEK2):c.320-7A>G

Gene: CHEK2 (checkpoint kinase 2; minus strand). Cytogenetic location: 22q12.1.
Variant type: single nucleotide variant.
Coding change: c.320-7A>G on transcript NM_007194.4 (MANE Select); 7 bases into the intron before coding-DNA position 320, A replaced by G.
Molecular consequence: intron variant.
Genome position (GRCh38, 1-based): chr22:28,725,374, T>C on the plus strand (A>G on the coding strand, the complement: CHEK2 is on the minus strand). VCF-style: chr22-28725374-T-C. GRCh37 (hg19) VCF-style: chr22-29121362-T-C.
Other names: c.-344-7A>G (NM_001437942.1); c.320-7A>G (NM_001349956.3, NM_145862.3); c.-458-7A>G (NM_001257387.3); c.413-7A>G (NM_001438295.1, NM_001438293.1); c.449-7A>G (NM_001438294.1, NM_001005735.3).
Identifiers: ClinVar variation 509398 (VCV000509398.17), dbSNP rs1555927424, ClinGen allele CA658799527.
Genomic context (GRCh38, chr22:28,725,374, plus strand): 5'-AGCAATATTCACAGCTTTTGTCCCTCCCAAACCAGTAGTTGTCATTCACACATTCTGTAA[T>C]ATAAAAGCATGCATCAGAGGGCTGTTGAATTTCATGTATCAAACGTTTAAAAATTGCTCA-3'

ClinVar aggregate classification (germline): Likely benign. Review status: criteria provided, multiple submitters, no conflicts (2 of 4 stars). 5 submissions from 5 submitters: Likely benign (5). Last evaluated 2025-03-12.

Conditions:
CHEK2-related cancer predisposition (TPDS4). Also called: CHEK2-related cancer susceptibility; TUMOR PREDISPOSITION SYNDROME 4; CANCER PREDISPOSITION SYNDROME, CHEK2-RELATED. Identifiers: Orphanet 524, MedGen C5882668, MONDO:0700271, OMIM 609265.
Hereditary cancer-predisposing syndrome. Also called: Hereditary neoplastic syndrome; Hereditary Cancer Syndrome; Neoplastic Syndromes, Hereditary; Tumor predisposition. Identifiers: Orphanet 140162, MedGen C0027672, MeSH D009386, MONDO:0015356.
Familial cancer of breast. Also called: hereditary breast carcinoma; BREAST CANCER, FAMILIAL; Hereditary breast cancer. Identifiers: Orphanet 227535, MedGen C0346153, MONDO:0016419, OMIM 114480. Disease mechanism: loss of function.

Allele frequency attached by ClinVar (database versions not stated): TOPMed 0.00001.

Submissions (5):

Labcorp Genetics (formerly Invitae), Labcorp
Classification: Likely benign for Familial cancer of breast. Last evaluated: 2025-03-12. Review status: criteria provided, single submitter. Criteria: Invitae Variant Classification Sherloc (09022015). Collection method: clinical testing. Allele origin: germline.

Myriad Genetics, Inc.
Classification: Likely benign for Familial cancer of breast. Last evaluated: 2024-10-02. Review status: criteria provided, single submitter. Criteria: Myriad Autosomal Dominant, Autosomal Recessive and X-Linked Classification Criteria (2023). Collection method: clinical testing. Allele origin: unknown.
Comment: This variant is considered likely benign. This variant is intronic and is not expected to impact mRNA splicing.

Department of Pathology and Laboratory Medicine, Sinai Health System
Classification: Likely benign for CHEK2-related cancer predisposition. Last evaluated: 2021-08-19. Review status: criteria provided, single submitter. Criteria: ACMG Guidelines, 2015. Collection method: clinical testing. Allele origin: germline. Affected: yes.

Color Diagnostics, LLC DBA Color Health
Classification: Likely benign for Hereditary cancer-predisposing syndrome. Last evaluated: 2020-11-16. Review status: criteria provided, single submitter. Criteria: ACMG Guidelines, 2015. Collection method: clinical testing. Allele origin: germline.

GeneDx
Classification: Likely benign. Last evaluated: 2017-05-04. Review status: criteria provided, single submitter. Criteria: GeneDx Variant Classification (06012015). Collection method: clinical testing. Allele origin: germline. Affected: yes.
Comment: This variant is considered likely benign or benign based on one or more of the following criteria: it is a conservative change, it occurs at a poorly conserved position in the protein, it is predicted to be benign by multiple in silico algorithms, and/or has population frequency not consistent with disease.